The following is an entry in ClinVar:

ClinVar aggregate classification (germline): Likely pathogenic (1 of 4 stars; one submission).

Conditions:
Neurodegeneration with brain iron accumulation 5 (NBIA5). Also called: STATIC ENCEPHALOPATHY OF CHILDHOOD WITH NEURODEGENERATION IN ADULTHOOD; Beta-propeller protein-associated neurodegeneration. Identifiers: Orphanet 329284, MedGen C3550973, MONDO:0010476, OMIM 300894.

Submission:

3billion
Classification: Likely pathogenic for Neurodegeneration with brain iron accumulation 5. Last evaluated: 2023-02-23. Review status: criteria provided, single submitter. Criteria: ACMG Guidelines, 2015. Collection method: clinical testing. Allele origin: unknown. Affected: yes.
Comment: The variant is not observed in the gnomAD v2.1.1 dataset. This variant was predicted to alter splicing and result in a loss or disruption of normal protein function. Multiple pathogenic loss-of-function variants are reported downstream of the variant. Therefore, this variant is classified as Likely pathogenic according to the recommendation of ACMG/AMP guideline.

NM_001029896.2(WDR45):c.437-2A>T

Gene: WDR45 (WD repeat domain 45; minus strand). Cytogenetic location: Xp11.23.
Variant type: single nucleotide variant.
Coding change: c.437-2A>T on transcript NM_001029896.2 (MANE Select); the canonical splice acceptor site of the intron before coding-DNA position 437, A replaced by T.
Molecular consequence: splice acceptor variant.
Genome position (GRCh38, 1-based): chrX:49,075,947, T>A on the plus strand (A>T on the coding strand, the complement: WDR45 is on the minus strand). VCF-style: chrX-49075947-T-A. GRCh37 (hg19) VCF-style: chrX-48933606-T-A.
Other names: c.440-2A>T (NM_007075.4).
Identifiers: ClinVar variation 2444042 (VCV002444042.1), dbSNP rs886041693, ClinGen allele CA412945580.